The following is an entry in ClinVar:

NM_004667.6(HERC2):c.12599T>C (p.Val4200Ala)

Gene: HERC2 (HECT and RLD domain containing E3 ubiquitin protein ligase 2; minus strand). Cytogenetic location: 15q13.1.
Variant type: single nucleotide variant.
Coding change: c.12599T>C on transcript NM_004667.6 (MANE Select); coding-DNA position 12599, T replaced by C.
Protein change: p.Val4200Ala; replaces valine 4200 with alanine.
Molecular consequence: missense variant.
Genome position (GRCh38, 1-based): chr15:28,130,566, A>G on the plus strand (T>C on the coding strand, the complement: HERC2 is on the minus strand). VCF-style: chr15-28130566-A-G. GRCh37 (hg19) VCF-style: chr15-28375712-A-G.
Other names: short protein forms V4200A.
Identifiers: ClinVar variation 1028798 (VCV001028798.1), dbSNP rs1890001963, ClinGen allele CA391376140.

ClinVar aggregate classification (germline): Uncertain significance (1 of 4 stars; one submission).

Conditions:
Developmental delay with autism spectrum disorder and gait instability (MRT38). Also called: Intellectual developmental disorder, autosomal recessive 38. Identifiers: Orphanet 329195, MedGen C3809753, MONDO:0014224, OMIM 615516.

Allele frequency attached by ClinVar (database versions not stated): gnomAD exomes below 0.00001.
gnomAD v4.1: 1 of 1,614,052 alleles (0.000062%); highest among the groups gnomAD compares: South Asian, 0.0011%; no homozygotes.

Submission:

Baylor Genetics
Classification: Uncertain significance for Developmental delay with autism spectrum disorder and gait instability. Last evaluated: 2020-07-08. Review status: criteria provided, single submitter. Criteria: ACMG Guidelines, 2015. Collection method: clinical testing. Allele origin: unknown. Affected: yes.
Comment: This variant was determined to be of uncertain significance according to ACMG Guidelines, 2015 [PMID:25741868].